The following is an entry in ClinVar:

ClinVar aggregate classification (germline): Uncertain significance (1 of 4 stars; one submission).

Allele frequency attached by ClinVar (database versions not stated): ExAC 0.00002; gnomAD 0.00002; gnomAD exomes 0.00003.
gnomAD v4.1: 49 of 1,611,448 alleles (0.003%); highest among the groups gnomAD compares: Admixed American, 0.0067%; no homozygotes.

Submission:

Labcorp Genetics (formerly Invitae), Labcorp
Classification: Uncertain significance. Last evaluated: 2022-05-21. Review status: criteria provided, single submitter. Criteria: Invitae Variant Classification Sherloc (09022015). Collection method: clinical testing. Allele origin: germline.
Comment: This sequence change replaces glycine, which is neutral and non-polar, with glutamic acid, which is acidic and polar, at codon 828 of the SI protein (p.Gly828Glu). This variant is present in population databases (rs748638688, gnomAD 0.01%). This variant has not been reported in the literature in individuals affected with SI-related conditions. Advanced modeling of protein sequence and biophysical properties (such as structural, functional, and spatial information, amino acid conservation, physicochemical variation, residue mobility, and thermodynamic stability) performed at Invitae indicates that this missense variant is expected to disrupt SI protein function. In summary, the available evidence is currently insufficient to determine the role of this variant in disease. Therefore, it has been classified as a Variant of Uncertain Significance.

NM_001041.4(SI):c.2483G>A (p.Gly828Glu)

Gene: SI (sucrase-isomaltase; minus strand). Cytogenetic location: 3q26.1.
Variant type: single nucleotide variant.
Coding change: c.2483G>A on transcript NM_001041.4 (MANE Select); coding-DNA position 2483, G replaced by A.
Protein change: p.Gly828Glu; replaces glycine 828 with glutamic acid.
Molecular consequence: missense variant.
Genome position (GRCh38, 1-based): chr3:165,036,421, C>T on the plus strand (G>A on the coding strand, the complement: SI is on the minus strand). VCF-style: chr3-165036421-C-T. GRCh37 (hg19) VCF-style: chr3-164754209-C-T.
Other names: short protein forms G828E.
Identifiers: ClinVar variation 2414312 (VCV002414312.3), dbSNP rs748638688, ClinGen allele CA2690665.